The following is an entry in ClinVar:

NM_001164665.2(KIAA1549):c.5051G>A (p.Arg1684His)

Gene: KIAA1549 (KIAA1549; minus strand). Cytogenetic location: 7q34.
Variant type: single nucleotide variant.
Coding change: c.5051G>A on transcript NM_001164665.2 (MANE Select); coding-DNA position 5051, G replaced by A.
Protein change: p.Arg1684His; replaces arginine 1684 with histidine.
Molecular consequence: missense variant.
Genome position (GRCh38, 1-based): chr7:138,861,335, C>T on the plus strand (G>A on the coding strand, the complement: KIAA1549 is on the minus strand). VCF-style: chr7-138861335-C-T. GRCh37 (hg19) VCF-style: chr7-138546081-C-T.
Other names: c.5051G>A, p.Arg1684His (NM_020910.3); short protein forms R1684H.
Identifiers: ClinVar variation 998592 (VCV000998592.8), dbSNP rs1810568289, ClinGen allele CA369394573.

ClinVar aggregate classification (germline): Uncertain significance (1 of 4 stars; one submission).

Submission:

Labcorp Genetics (formerly Invitae), Labcorp
Classification: Uncertain significance. Last evaluated: 2020-08-11. Review status: criteria provided, single submitter. Criteria: Invitae Variant Classification Sherloc (09022015). Collection method: clinical testing. Allele origin: germline.
Comment: In summary, the available evidence is currently insufficient to determine the role of this variant in disease. Therefore, it has been classified as a Variant of Uncertain Significance. Algorithms developed to predict the effect of missense changes on protein structure and function are either unavailable or do not agree on the potential impact of this missense change (SIFT: "Deleterious"; PolyPhen-2: "Probably Damaging"; Align-GVGD: "Class C0"). This variant has not been reported in the literature in individuals with KIAA1549-related conditions. This variant is not present in population databases (ExAC no frequency). This sequence change replaces arginine with histidine at codon 1684 of the KIAA1549 protein (p.Arg1684His). The arginine residue is highly conserved and there is a small physicochemical difference between arginine and histidine.